The following is an entry in ClinVar:

ClinVar aggregate classification (germline): Uncertain significance (1 of 4 stars; one submission).

Allele frequency attached by ClinVar (database versions not stated): 1000 Genomes Project 0.00040; 1000 Genomes Project 30x 0.00047.
gnomAD v4.1: 4 of 1,614,228 alleles (0.00025%); highest among the groups gnomAD compares: Admixed American, 0.0067%; no homozygotes.

Submission:

Labcorp Genetics (formerly Invitae), Labcorp
Classification: Uncertain significance. Last evaluated: 2025-07-30. Review status: criteria provided, single submitter. Criteria: Invitae Variant Classification Sherloc (09022015). Collection method: clinical testing. Allele origin: germline.
Comment: This sequence change replaces alanine, which is neutral and non-polar, with threonine, which is neutral and polar, at codon 576 of the KL protein (p.Ala576Thr). This variant is present in population databases (rs531433864, gnomAD 0.003%). This variant has not been reported in the literature in individuals affected with KL-related conditions. ClinVar contains an entry for this variant (Variation ID: 1920810). Invitae Evidence Modeling of protein sequence and biophysical properties (such as structural, functional, and spatial information, amino acid conservation, physicochemical variation, residue mobility, and thermodynamic stability) indicates that this missense variant is not expected to disrupt KL protein function with a negative predictive value of 80%. In summary, the available evidence is currently insufficient to determine the role of this variant in disease. Therefore, it has been classified as a Variant of Uncertain Significance.

NM_004795.4(KL):c.1726G>A (p.Ala576Thr)

Gene: KL (klotho; plus strand). Cytogenetic location: 13q13.1.
Variant type: single nucleotide variant.
Coding change: c.1726G>A on transcript NM_004795.4 (MANE Select); coding-DNA position 1726, G replaced by A.
Protein change: p.Ala576Thr; replaces alanine 576 with threonine.
Molecular consequence: missense variant.
Genome position (GRCh38, 1-based): chr13:33,060,805, G>A. VCF-style: chr13-33060805-G-A. GRCh37 (hg19) VCF-style: chr13-33634942-G-A.
Other names: short protein forms A576T.
Identifiers: ClinVar variation 1920810 (VCV001920810.5), dbSNP rs531433864, ClinGen allele CA247531587.